The following is an entry in ClinVar:

NM_003579.4(RAD54L):c.1437C>G (p.Asp479Glu)

Gene: RAD54L (RAD54 like; plus strand). Cytogenetic location: 1p34.1.
Variant type: single nucleotide variant.
Coding change: c.1437C>G on transcript NM_003579.4 (MANE Select); coding-DNA position 1437, C replaced by G.
Protein change: p.Asp479Glu; replaces aspartic acid 479 with glutamic acid.
Molecular consequence: missense variant.
Genome position (GRCh38, 1-based): chr1:46,273,416, C>G. VCF-style: chr1-46273416-C-G. GRCh37 (hg19) VCF-style: chr1-46739088-C-G.
Other names: c.1437C>G, p.Asp479Glu (NM_001142548.2); c.897C>G, p.Asp299Glu (NM_001370766.1); short protein forms D299E, D479E.
Identifiers: ClinVar variation 3223412 (VCV003223412.1), dbSNP rs2525711691, ClinGen allele CA340180925.
Genomic context (GRCh38, chr1:46,273,416, plus strand): 5'-TCCAGCTCTAATCTATGATAAGTGTGTGGAAGAGGAGGATGGCTTTGTGGGTGCCTTGGA[C>G]CTCTTCCCTCCTGGTTACAGCTCTAAGGCCCTGGAGCCCCAGCTGTCAGGTGACCCTTTT-3'
Protein context (NP_003570.2, residues 469-489): EEEDGFVGAL[Asp479Glu]LFPPGYSSKA

ClinVar aggregate classification (germline): Uncertain significance (1 of 4 stars; one submission).

Submission:

Ambry Genetics
Classification: Uncertain significance. Last evaluated: 2023-09-27. Review status: criteria provided, single submitter. Criteria: Ambry Variant Classification Scheme 2023. Collection method: clinical testing. Allele origin: germline.
Comment: The p.D479E variant (also known as c.1437C>G), located in coding exon 13 of the RAD54L gene, results from a C to G substitution at nucleotide position 1437. The aspartic acid at codon 479 is replaced by glutamic acid, an amino acid with highly similar properties. This amino acid position is conserved. In addition, this alteration is predicted to be tolerated by in silico analysis. Since supporting evidence is limited at this time, the clinical significance of this alteration remains unclear.